The following is an entry in ClinVar:

ClinVar aggregate classification (germline): Likely benign. Review status: reviewed by expert panel (3 of 4 stars). 6 submissions from 6 submitters: Likely benign (1). 5 of the submissions do not count toward it. Last evaluated 2017-06-29.

Conditions:
Hereditary breast ovarian cancer syndrome. Also called: Hereditary breast and ovarian cancer; Breast and ovarian cancer; BRCA1- and BRCA2-Associated Hereditary Breast and Ovarian Cancer; Hereditary breast and ovarian cancer syndrome; Hereditary breast and ovarian cancer syndrome (HBOC); Hereditary breast and/or ovarian cancer syndrome. Identifiers: Orphanet 145, MedGen C0677776, MeSH D061325, MONDO:0003582. Disease mechanism: loss of function.
Hereditary cancer-predisposing syndrome. Also called: Tumor predisposition; Hereditary Cancer Syndrome; Hereditary neoplastic syndrome; Neoplastic Syndromes, Hereditary. Identifiers: Orphanet 140162, MedGen C0027672, MeSH D009386, MONDO:0015356.
Breast-ovarian cancer, familial, susceptibility to, 2 (BROVCA2). Also called: BRCA2 Hereditary Breast and Ovarian Cancer. Identifiers: Orphanet 145, MedGen C2675520, MONDO:0012933, OMIM 612555. Disease mechanism: loss of function.

Allele frequency attached by ClinVar (database versions not stated): gnomAD exomes below 0.00001; TOPMed below 0.00001; gnomAD 0.00001.
gnomAD v4.1: 2 of 1,613,094 alleles (0.00012%); highest among the groups gnomAD compares: African/African-American, 0.0027%; no homozygotes.

Submissions (6):

Evidence-based Network for the Interpretation of Germline Mutant Alleles (ENIGMA)
Classification: Likely benign for Breast-ovarian cancer, familial, susceptibility to, 2. Last evaluated: 2017-06-29. Review status: reviewed by expert panel. Criteria: ENIGMA BRCA1/2 Classification Criteria (2017-06-29). Collection method: curation. Allele origin: germline.
Comment: Synonymous substitution variant, with low bioinformatic likelihood to result in a splicing aberration (Splicing prior probability 0.02).

Labcorp Genetics (formerly Invitae), Labcorp
Classification: Likely benign for Hereditary breast ovarian cancer syndrome. Last evaluated: 2025-07-20. Review status: criteria provided, single submitter. Criteria: Invitae Variant Classification Sherloc (09022015). Collection method: clinical testing. Allele origin: germline. Not counted in ClinVar's aggregate classification.

Quest Diagnostics Nichols Institute San Juan Capistrano
Classification: Likely benign. Last evaluated: 2022-09-08. Review status: criteria provided, single submitter. Criteria: Quest Diagnostics criteria. Collection method: clinical testing. Allele origin: unknown. Not counted in ClinVar's aggregate classification.

Color Diagnostics, LLC DBA Color Health
Classification: Likely benign for Hereditary cancer-predisposing syndrome. Last evaluated: 2020-04-06. Review status: criteria provided, single submitter. Criteria: ACMG Guidelines, 2015. Collection method: clinical testing. Allele origin: germline. Not counted in ClinVar's aggregate classification.

GeneDx
Classification: Likely benign. Last evaluated: 2016-07-21. Review status: criteria provided, single submitter. Criteria: GeneDx Variant Classification (06012015). Collection method: clinical testing. Allele origin: germline. Affected: yes. Not counted in ClinVar's aggregate classification.
Comment: This variant is considered likely benign or benign based on one or more of the following criteria: it is a conservative change, it occurs at a poorly conserved position in the protein, it is predicted to be benign by multiple in silico algorithms, and/or has population frequency not consistent with disease.

Ambry Genetics
Classification: Likely benign for Hereditary cancer-predisposing syndrome. Last evaluated: 2015-09-17. Review status: criteria provided, single submitter. Criteria: Ambry Variant Classification Scheme 2023. Collection method: clinical testing. Allele origin: germline. Not counted in ClinVar's aggregate classification.

NM_000059.4(BRCA2):c.2046C>T (p.Ile682=)

Gene: BRCA2 (BRCA2 DNA repair associated; plus strand). Cytogenetic location: 13q13.1.
Variant type: single nucleotide variant.
Coding change: c.2046C>T on transcript NM_000059.4 (MANE Select); coding-DNA position 2046, C replaced by T.
Protein change: p.Ile682=; no amino-acid change (isoleucine 682 retained).
Molecular consequence: synonymous variant.
Genome position (GRCh38, 1-based): chr13:32,336,401, C>T. VCF-style: chr13-32336401-C-T. GRCh37 (hg19) VCF-style: chr13-32910538-C-T.
Identifiers: ClinVar variation 234130 (VCV000234130.22), dbSNP rs876660868, ClinGen allele CA10579520.
Genomic context (GRCh38, chr13:32,336,401, plus strand): 5'-TTTTGGGACAATTCTGAGGAAATGTTCTAGAAATGAAACATGTTCTAATAATACAGTAAT[C>T]TCTCAGGATCTTGATTATAAAGAAGCAAAATGTAATAAGGAAAAACTACAGTTATTTATT-3'
Protein context (NP_000050.3, residues 672-692): RNETCSNNTV[Ile682=]SQDLDYKEAK